The following is an entry in ClinVar:

ClinVar aggregate classification (germline): Benign/Likely benign. Review status: criteria provided, multiple submitters, no conflicts (2 of 4 stars). 6 submissions from 6 submitters: Benign (3); Likely benign (3). Last evaluated 2026-01-25.

Allele frequency attached by ClinVar (database versions not stated): gnomAD exomes 0.00021 and 0.00056; ExAC 0.00081; 1000 Genomes Project 0.00180; gnomAD 0.00220 and 0.00232; 1000 Genomes Project 30x 0.00234; TOPMed 0.00241; ESP Exome Variant Server 0.00269.
gnomAD v4.1: 650 of 1,611,736 alleles (0.04%); highest among the groups gnomAD compares: African/African-American, 0.77%; 6 homozygotes.

Submissions (6):

Labcorp Genetics (formerly Invitae), Labcorp
Classification: Benign. Last evaluated: 2026-01-25. Review status: criteria provided, single submitter. Criteria: Invitae Variant Classification Sherloc (09022015). Collection method: clinical testing. Allele origin: germline.

ARUP Laboratories, Molecular Genetics and Genomics, ARUP Laboratories
Classification: Benign. Last evaluated: 2025-02-11. Review status: criteria provided, single submitter. Criteria: ARUP Molecular Germline Variant Investigation Process 2024. Collection method: clinical testing. Allele origin: germline.

Blueprint Genetics
Classification: Likely benign. Last evaluated: 2024-10-22. Review status: criteria provided, single submitter. Criteria: ACMG Guidelines, 2015. Collection method: clinical testing. Allele origin: germline.

CeGaT Center for Human Genetics Tuebingen
Classification: Likely benign. Last evaluated: 2024-08-01. Review status: criteria provided, single submitter. Criteria: CeGaT Center For Human Genetics Tuebingen Variant Classification Criteria Version 2. Collection method: clinical testing. Allele origin: germline. Affected: yes. Observed: 2 variant alleles.
Comment: FLNB: BP4, BP7

GeneDx
Classification: Likely benign. Last evaluated: 2021-10-11. Review status: criteria provided, single submitter. Criteria: GeneDx Variant Classification Process June 2021. Collection method: clinical testing. Allele origin: germline. Affected: yes.

PreventionGenetics, part of Exact Sciences
Classification: Benign. Review status: criteria provided, single submitter. Criteria: ACMG Guidelines, 2015. Collection method: clinical testing. Allele origin: germline.

NM_001457.4(FLNB):c.4377T>C (p.Val1459=)

Gene: FLNB (filamin B; plus strand). Cytogenetic location: 3p14.3.
Variant type: single nucleotide variant.
Coding change: c.4377T>C on transcript NM_001457.4 (MANE Select); coding-DNA position 4377, T replaced by C.
Protein change: p.Val1459=; no amino-acid change (valine 1459 retained).
Molecular consequence: synonymous variant.
Genome position (GRCh38, 1-based): chr3:58,130,895, T>C. VCF-style: chr3-58130895-T-C. GRCh37 (hg19) VCF-style: chr3-58116622-T-C.
Other names: c.4377T>C, p.Val1459= (NM_001164317.2, NM_001164318.2, NM_001164319.2).
Identifiers: ClinVar variation 258113 (VCV000258113.47), dbSNP rs149921907, ClinGen allele CA2468734.